The following is an entry in ClinVar:

NM_000081.4(LYST):c.10550A>G (p.Tyr3517Cys)

Gene: LYST (lysosomal trafficking regulator; minus strand). Cytogenetic location: 1q42.3.
Variant type: single nucleotide variant.
Coding change: c.10550A>G on transcript NM_000081.4 (MANE Select); coding-DNA position 10550, A replaced by G.
Protein change: p.Tyr3517Cys; replaces tyrosine 3517 with cysteine.
Molecular consequence: missense variant.
Genome position (GRCh38, 1-based): chr1:235,697,097, T>C on the plus strand (A>G on the coding strand, the complement: LYST is on the minus strand). VCF-style: chr1-235697097-T-C. GRCh37 (hg19) VCF-style: chr1-235860397-T-C.
Other names: c.10550A>G, p.Tyr3517Cys (NM_001301365.1); short protein forms Y3517C.
Identifiers: ClinVar variation 4535934 (VCV004535934.1).

ClinVar aggregate classification (germline): Uncertain significance (1 of 4 stars; one submission).

gnomAD v4.1: 32 of 1,613,936 alleles (0.002%); highest among the groups gnomAD compares: East Asian, 0.0045%; no homozygotes.

Submission:

Women's Health and Genetics/Laboratory Corporation of America, LabCorp
Classification: Uncertain significance. Last evaluated: 2025-09-02. Review status: criteria provided, single submitter. Criteria: LabCorp Variant Classification Summary - May 2015. Collection method: clinical testing. Allele origin: germline.
Comment: Variant summary: LYST c.10550A>G (p.Tyr3517Cys) results in a non-conservative amino acid change in the encoded protein sequence. Algorithms developed to predict the effect of missense changes on protein structure and function are either unavailable or do not agree on the potential impact of this missense change. The variant allele was found at a frequency of 8e-06 in 251436 control chromosomes. The available data on variant occurrences in the general population are insufficient to allow any conclusion about variant significance. To our knowledge, no occurrence of c.10550A>G in individuals affected with LYST-related conditions and no experimental evidence demonstrating its impact on protein function have been reported. No submitters have cited clinical-significance assessments for this variant to ClinVar. Based on the evidence outlined above, the variant was classified as uncertain significance.